The following is an entry in ClinVar:

ClinVar aggregate classification (germline): Pathogenic/Likely pathogenic. Review status: criteria provided, multiple submitters, no conflicts (2 of 4 stars). 7 submissions from 6 submitters: Pathogenic (1); Likely pathogenic (5). 1 of the submissions does not count toward it. Last evaluated 2025-05-07.

Conditions:
ABCA4-related disorder. Also called: ABCA4-related condition; ABCA4-related disorders. Identifiers: MedGen CN239167.
Retinitis pigmentosa (RP). Identifiers: Orphanet 791, MedGen C0035334, MeSH D012174, MONDO:0019200, OMIM 268000. Inheritance: Autosomal dominant, autosomal recessive and X linked inheritance.
Severe early-childhood-onset retinal dystrophy (STGD1). Also called: Stargardt macular dystrophy; Juvenile onset macular degeneration; Stargardt disease 1; STGD; MACULAR DYSTROPHY WITH FLECKS, TYPE 1. Identifiers: Orphanet 364055, Orphanet 827, MedGen C1855465, MeSH D000080362, MONDO:0009549, OMIM 248200.
ABCA4-related retinopathy. Also called: ABCA4-related retinoapthy; ABCA4 retinoapthy. Identifiers: MedGen CN322612, MONDO:0800406.
Retinal dystrophy. Also called: Inherited retinal dystrophy. Identifiers: Orphanet 71862, MedGen C0854723, MeSH D058499, MONDO:0019118, HP:0000556.

Allele frequency attached by ClinVar (database versions not stated): ExAC 0.00004; ESP Exome Variant Server 0.00008; gnomAD exomes 0.00001.
gnomAD v4.1: 8 of 1,612,508 alleles (0.0005%); highest among the groups gnomAD compares: Non-Finnish European, 0.00068%; no homozygotes.

Submissions (7):

GeneDx
Classification: Likely pathogenic. Last evaluated: 2025-05-07. Review status: criteria provided, single submitter. Criteria: GeneDx Variant Classification Process June 2021. Collection method: clinical testing. Allele origin: germline. Affected: yes.
Comment: Identified in patients with Stargardt disease in published literature (PMID: 28118664, 29925512); Not observed at significant frequency in large population cohorts (gnomAD); In silico analysis supports that this missense variant has a deleterious effect on protein structure/function; This variant is associated with the following publications: (PMID: 28118664, 29925512, 28005406, 31964843)

Labcorp Genetics (formerly Invitae), Labcorp
Classification: Pathogenic. Last evaluated: 2025-03-22. Review status: criteria provided, single submitter. Criteria: Invitae Variant Classification Sherloc (09022015). Collection method: clinical testing. Allele origin: germline.
Comment: This sequence change replaces glutamine, which is neutral and polar, with lysine, which is basic and polar, at codon 1713 of the ABCA4 protein (p.Gln1713Lys). This variant is present in population databases (rs374343397, gnomAD 0.003%). This missense change has been observed in individuals with Stargardt disease (PMID: 28118664, 29925512; internal data). ClinVar contains an entry for this variant (Variation ID: 236124). Invitae Evidence Modeling of protein sequence and biophysical properties (such as structural, functional, and spatial information, amino acid conservation, physicochemical variation, residue mobility, and thermodynamic stability) indicates that this missense variant is expected to disrupt ABCA4 protein function with a positive predictive value of 95%. This variant disrupts the p.Gln1713 amino acid residue in ABCA4. Other variant(s) that disrupt this residue have been determined to be pathogenic (PMID: 21911583, 29178665). This suggests that this residue is clinically significant, and that variants that disrupt this residue are likely to be disease-causing. For these reasons, this variant has been classified as Pathogenic.

Women's Health and Genetics/Laboratory Corporation of America, LabCorp
Classification: Likely pathogenic for Retinitis pigmentosa. Last evaluated: 2025-02-10. Review status: criteria provided, single submitter. Criteria: LabCorp Variant Classification Summary - May 2015. Collection method: clinical testing. Allele origin: germline.
Comment: Variant summary: ABCA4 c.5137C>A (p.Gln1713Lys) results in a conservative amino acid change in the encoded protein sequence. Four of five in-silico tools predict a damaging effect of the variant on protein function. The variant allele was found at a frequency of 1.2e-05 in 247790 control chromosomes (gnomAD). c.5137C>A has been reported in the literature in individuals affected with Stargardt disease or inherited retinal degeneration (Schulz_2017, Fujinami_2019, Ramkumar_2019). These data indicate that the variant is likely to be associated with disease. To our knowledge, no experimental evidence demonstrating an impact on protein function has been reported. The following publications have been ascertained in the context of this evaluation (PMID: 29925512, 31964843, 28005406, 28118664). ClinVar contains an entry for this variant (Variation ID: 236124). Based on the evidence outlined above, the variant was classified as likely pathogenic.

Blueprint Genetics
Classification: Likely pathogenic for ABCA4-related disorders. Last evaluated: 2019-12-19. Review status: criteria provided, single submitter. Criteria: ACMG Guidelines, 2015. Collection method: clinical testing. Allele origin: germline. Affected: yes. Observed: 2 variant alleles.

Institute of Human Genetics, Univ. Regensburg, Univ. Regensburg
Classification: Likely pathogenic for Severe early-childhood-onset retinal dystrophy. Last evaluated: 2016-01-01. Review status: criteria provided, single submitter. Criteria: Schulz et al. (Invest Ophthalmol Vis Sci. 2017). Collection method: clinical testing. Allele origin: germline. Affected: yes. Observed: 1 heterozygote.

Institute of Human Genetics, Univ. Regensburg, Univ. Regensburg
Classification: Likely pathogenic for Retinal dystrophy. Last evaluated: 2010-01-01. Review status: criteria provided, single submitter. Criteria: ACMG Guidelines, 2015. Collection method: clinical testing. Allele origin: germline. Affected: yes.

Department of Pathology and Laboratory Medicine, Sinai Health System
Classification: Uncertain significance for ABCA4-related retinopathy. Last evaluated: 2023-02-01. Review status: flagged submission. Criteria: ACMG Guidelines, 2015. Collection method: research. Allele origin: germline. Not counted in ClinVar's aggregate classification.
ClinVar note: Reason: Outlier claim with insufficient supporting evidence

Literature cited by the submitters: PubMed 28118664 (cited by 3 submitters); PubMed 29925512 (cited by 3 submitters); PubMed 21911583 (cited by Labcorp Genetics (formerly Invitae), Labcorp); PubMed 29178665 (cited by Labcorp Genetics (formerly Invitae), Labcorp); PubMed 28005406 (cited by Women's Health and Genetics/Laboratory Corporation of America, LabCorp); PubMed 31964843 (cited by Women's Health and Genetics/Laboratory Corporation of America, LabCorp and Institute of Human Genetics, Univ. Regensburg, Univ. Regensburg).

NM_000350.3(ABCA4):c.5137C>A (p.Gln1713Lys)

Gene: ABCA4 (ATP binding cassette subfamily A member 4; minus strand). Cytogenetic location: 1p22.1.
Variant type: single nucleotide variant.
Coding change: c.5137C>A on transcript NM_000350.3 (MANE Select); coding-DNA position 5137, C replaced by A.
Protein change: p.Gln1713Lys; replaces glutamine 1713 with lysine.
Molecular consequence: missense variant.
Genome position (GRCh38, 1-based): chr1:94,019,641, G>T on the plus strand (C>A on the coding strand, the complement: ABCA4 is on the minus strand). VCF-style: chr1-94019641-G-T. GRCh37 (hg19) VCF-style: chr1-94485197-G-T.
Other names: c.4915C>A, p.Gln1639Lys (NM_001425324.1); short protein forms Q1713K, Q1639K.
Identifiers: ClinVar variation 236124 (VCV000236124.13), dbSNP rs374343397, ClinGen allele CA957371.